The following is an entry in ClinVar:

ClinVar aggregate classification (germline): Uncertain significance (1 of 4 stars; one submission).

Conditions:
Myopathy, proximal, and ophthalmoplegia (CMYO6). Also called: INCLUSION BODY MYOPATHY 3, AUTOSOMAL DOMINANT; MYOPATHY WITH CONGENITAL JOINT CONTRACTURES, OPHTHALMOPLEGIA, AND RIMMED VACUOLES; CONGENITAL MYOPATHY 6 WITH OPHTHALMOPLEGIA. Identifiers: Orphanet 363677, Orphanet 79091, MedGen C1854106, MONDO:0011577, OMIM 605637.

Allele frequency attached by ClinVar (database versions not stated): gnomAD 0.00002 and 0.00003; TOPMed 0.00003; gnomAD exomes 0.00013; ExAC 0.00024.
gnomAD v4.1: 176 of 1,614,098 alleles (0.011%); highest among the groups gnomAD compares: Non-Finnish European, 0.012%; 2 homozygotes.

Submission:

Labcorp Genetics (formerly Invitae), Labcorp
Classification: Uncertain significance for Myopathy, proximal, and ophthalmoplegia. Last evaluated: 2022-10-05. Review status: criteria provided, single submitter. Criteria: Invitae Variant Classification Sherloc (09022015). Collection method: clinical testing. Allele origin: germline.
Comment: In summary, the available evidence is currently insufficient to determine the role of this variant in disease. Therefore, it has been classified as a Variant of Uncertain Significance. Advanced modeling of protein sequence and biophysical properties (such as structural, functional, and spatial information, amino acid conservation, physicochemical variation, residue mobility, and thermodynamic stability) performed at Invitae indicates that this missense variant is not expected to disrupt MYH2 protein function. ClinVar contains an entry for this variant (Variation ID: 661961). This variant has not been reported in the literature in individuals affected with MYH2-related conditions. This variant is present in population databases (rs748605415, gnomAD 0.02%), including at least one homozygous and/or hemizygous individual. This sequence change replaces arginine, which is basic and polar, with histidine, which is basic and polar, at codon 1847 of the MYH2 protein (p.Arg1847His).

NM_017534.6(MYH2):c.5540G>A (p.Arg1847His)

Genes: MYH2 (myosin heavy chain 2; minus strand), MYHAS (myosin heavy chain gene cluster antisense RNA; plus strand). Cytogenetic location: 17p13.1.
Variant type: single nucleotide variant.
Coding change: c.5540G>A on transcript NM_017534.6 (MANE Select); coding-DNA position 5540, G replaced by A.
Protein change: p.Arg1847His; replaces arginine 1847 with histidine.
Molecular consequence: missense variant.
Genome position (GRCh38, 1-based): chr17:10,523,345, C>T on the plus strand (G>A on the coding strand, the complement: MYH2 is on the minus strand). VCF-style: chr17-10523345-C-T. GRCh37 (hg19) VCF-style: chr17-10426662-C-T.
Other names: c.5540G>A, p.Arg1847His (NM_001100112.2); short protein forms R1847H.
Identifiers: ClinVar variation 661961 (VCV000661961.6), dbSNP rs748605415, ClinGen allele CA8390371.